The following is an entry in ClinVar:

ClinVar aggregate classification (germline): Pathogenic/Likely pathogenic. Review status: criteria provided, multiple submitters, no conflicts (2 of 4 stars). 2 submissions from 2 submitters: Pathogenic (1); Likely pathogenic (1). Last evaluated 2025-03-23.

Conditions:
Neurodevelopmental disorder with or without hyperkinetic movements and seizures, autosomal dominant. Also called: Intellectual disability, autosomal dominant 8. Identifiers: MedGen C3280282, MONDO:0013655, OMIM 614254.

Submissions (2):

Rare Disease Center, Seoul National University Hospital
Classification: Likely pathogenic for Neurodevelopmental disorder with or without hyperkinetic movements and seizures, autosomal dominant. Last evaluated: 2025-03-23. Review status: criteria provided, single submitter. Criteria: ACMG Guidelines, 2015. Collection method: provider interpretation. Allele origin: de novo. Affected: yes. Observed: 1 variant allele.
Comment: In addition, this variant is not present in population databases (gnomAD). Note: This variant was found in clinical genetic testing performed by one or more labs who may also submit to ClinVar. Therefore, any internal case data may overlap with the internal case data of other submitters. The classification and rationale are that of the Rare Disease Center, Seoul National University Hospital

GeneDx
Classification: Pathogenic. Last evaluated: 2023-08-17. Review status: criteria provided, single submitter. Criteria: GeneDx Variant Classification Process June 2021. Collection method: clinical testing. Allele origin: germline. Affected: yes.
Comment: Not observed at significant frequency in large population cohorts (gnomAD); In silico analysis supports that this missense variant has a deleterious effect on protein structure/function; This variant is associated with the following publications: (PMID: 34884460)

NM_007327.4(GRIN1):c.2196C>G (p.Asp732Glu)

Gene: GRIN1 (glutamate ionotropic receptor NMDA type subunit 1; plus strand). Cytogenetic location: 9q34.3.
Variant type: single nucleotide variant.
Coding change: c.2196C>G on transcript NM_007327.4 (MANE Select); coding-DNA position 2196, C replaced by G.
Protein change: p.Asp732Glu; replaces aspartic acid 732 with glutamic acid.
Molecular consequence: missense variant.
Genome position (GRCh38, 1-based): chr9:137,163,193, C>G. VCF-style: chr9-137163193-C-G. GRCh37 (hg19) VCF-style: chr9-140057645-C-G.
Other names: c.2196C>G, p.Asp732Glu (NM_000832.7, NM_021569.4); c.2259C>G, p.Asp753Glu (NM_001185090.2, NM_001185091.2); short protein forms D732E, D753E.
Identifiers: ClinVar variation 3342850 (VCV003342850.2).